The following is an entry in ClinVar:

NM_001042492.3(NF1):c.4951A>T (p.Ser1651Cys)

Gene: NF1 (neurofibromin 1; plus strand). Cytogenetic location: 17q11.2.
Variant type: single nucleotide variant.
Coding change: c.4951A>T on transcript NM_001042492.3 (MANE Select); coding-DNA position 4951, A replaced by T.
Protein change: p.Ser1651Cys; replaces serine 1651 with cysteine.
Molecular consequence: missense variant.
Genome position (GRCh38, 1-based): chr17:31,325,935, A>T. VCF-style: chr17-31325935-A-T. GRCh37 (hg19) VCF-style: chr17-29652953-A-T.
Other names: c.4888A>T, p.Ser1630Cys (NM_000267.4); short protein forms S1630C, S1651C.
Identifiers: ClinVar variation 527559 (VCV000527559.5), dbSNP rs1555533314, ClinGen allele CA399007176.

ClinVar aggregate classification (germline): Uncertain significance (1 of 4 stars; one submission).

Conditions:
Neurofibromatosis, type 1 (NF1). Also called: VON RECKLINGHAUSEN DISEASE; NEUROFIBROMATOSIS, TYPE I, SOMATIC; Peripheral type neurofibromatosis; Neurofibromatosis, type I. Identifiers: Orphanet 636, MedGen C0027831, MONDO:0018975, OMIM 162200. Disease mechanism: loss of function.

Allele frequency attached by ClinVar (database versions not stated): TOPMed below 0.00001.

Submission:

Labcorp Genetics (formerly Invitae), Labcorp
Classification: Uncertain significance for Neurofibromatosis, type 1. Last evaluated: 2023-03-26. Review status: criteria provided, single submitter. Criteria: Invitae Variant Classification Sherloc (09022015). Collection method: clinical testing. Allele origin: germline.
Comment: This sequence change replaces serine, which is neutral and polar, with cysteine, which is neutral and slightly polar, at codon 1630 of the NF1 protein (p.Ser1630Cys). This variant is not present in population databases (gnomAD no frequency). This variant has not been reported in the literature in individuals affected with NF1-related conditions. ClinVar contains an entry for this variant (Variation ID: 527559). Advanced modeling of protein sequence and biophysical properties (such as structural, functional, and spatial information, amino acid conservation, physicochemical variation, residue mobility, and thermodynamic stability) performed at Invitae indicates that this missense variant is expected to disrupt NF1 protein function. In summary, the available evidence is currently insufficient to determine the role of this variant in disease. Therefore, it has been classified as a Variant of Uncertain Significance.